The following is an entry in ClinVar:

ClinVar aggregate classification (germline): Likely benign (1 of 4 stars; one submission).

Allele frequency attached by ClinVar (database versions not stated): gnomAD exomes below 0.00001.
gnomAD v4.1: 4 of 1,602,376 alleles (0.00025%); highest among the groups gnomAD compares: Non-Finnish European, 0.00025%; no homozygotes.

Submission:

GeneDx
Classification: Likely benign. Last evaluated: 2017-12-12. Review status: criteria provided, single submitter. Criteria: GeneDx Variant Classification (06012015). Collection method: clinical testing. Allele origin: germline. Affected: yes.
Comment: This variant is considered likely benign or benign based on one or more of the following criteria: it is a conservative change, it occurs at a poorly conserved position in the protein, it is predicted to be benign by multiple in silico algorithms, and/or has population frequency not consistent with disease.

NM_001267550.2(TTN):c.35212A>G (p.Lys11738Glu)

Gene: TTN (titin; minus strand). Cytogenetic location: 2q31.2.
Variant type: single nucleotide variant.
Coding change: c.35212A>G on transcript NM_001267550.2 (MANE Select); coding-DNA position 35212, A replaced by G.
Protein change: p.Lys11738Glu; replaces lysine 11738 with glutamic acid.
Molecular consequence: missense variant. On other transcripts: intron variant (3).
Genome position (GRCh38, 1-based): chr2:178,671,986, T>C on the plus strand (A>G on the coding strand, the complement: TTN is on the minus strand). VCF-style: chr2-178671986-T-C. GRCh37 (hg19) VCF-style: chr2-179536713-T-C.
Other names: c.34090A>G, p.Lys11364Glu (NM_001256850.1); c.31309A>G, p.Lys10437Glu (NM_133378.4); c.13283-29669A>G (NM_003319.4); c.13859-29669A>G (NM_133437.4); c.13658-29669A>G (NM_133432.3); short protein forms K11364E, K11738E, K10437E.
Identifiers: ClinVar variation 514201 (VCV000514201.1), dbSNP rs1553808816, ClinGen allele CA349516570.
Genomic context (GRCh38, chr2:178,671,986, plus strand): 5'-AGAGCAAGATATAAGAATTTGTAGTATTTGAAGAATTCCCTATACCTTTAGGTGGAGCTT[T>C]TGGTTTTTCAAATACTTCCACTTCTTCAGCCTCAAAAACTTCTATTACCCTATGAACTTT-3'
Protein context (NP_001254479.2, residues 11728-11748): AEEVEVFEKP[Lys11738Glu]APPKGPEISE